The following is an entry in ClinVar:

NM_004329.3(BMPR1A):c.717A>C (p.Gln239His)

Gene: BMPR1A (bone morphogenetic protein receptor type 1A; plus strand). Cytogenetic location: 10q23.2.
Variant type: single nucleotide variant.
Coding change: c.717A>C on transcript NM_004329.3 (MANE Select); coding-DNA position 717, A replaced by C.
Protein change: p.Gln239His; replaces glutamine 239 with histidine.
Molecular consequence: missense variant.
Genome position (GRCh38, 1-based): chr10:86,917,175, A>C. VCF-style: chr10-86917175-A-C. GRCh37 (hg19) VCF-style: chr10-88676932-A-C.
Other names: short protein forms Q239H.
Identifiers: ClinVar variation 826887 (VCV000826887.15), dbSNP rs1589290669, ClinGen allele CA377457231.
Genomic context (GRCh38, chr10:86,917,175, plus strand): 5'-TTTACTTTTTTCTATAAAGGTTCAGCGAACTATTGCCAAACAGATTCAGATGGTCCGGCA[A>C]GTTGGTAAAGGCCGATATGGAGAAGTATGGATGGGCAAATGGCGTGGCGAAAAAGTGGCG-3'
Protein context (NP_004320.2, residues 229-249): TIAKQIQMVR[Gln239His]VGKGRYGEVW

ClinVar aggregate classification (germline): Uncertain significance. Review status: criteria provided, multiple submitters, no conflicts (2 of 4 stars). 4 submissions from 4 submitters: Uncertain significance (4). Last evaluated 2025-04-11.

Conditions:
Hereditary cancer-predisposing syndrome. Also called: Neoplastic Syndromes, Hereditary; Hereditary Cancer Syndrome; Hereditary neoplastic syndrome; Tumor predisposition. Identifiers: Orphanet 140162, MedGen C0027672, MeSH D009386, MONDO:0015356.
Juvenile polyposis syndrome (JPS). Identifiers: Orphanet 2929, MedGen C0345893, MONDO:0017380, OMIM 174900.

Submissions (4):

Ambry Genetics
Classification: Uncertain significance for Hereditary cancer-predisposing syndrome. Last evaluated: 2025-04-11. Review status: criteria provided, single submitter. Criteria: Ambry Variant Classification Scheme 2023. Collection method: clinical testing. Allele origin: germline.
Comment: The p.Q239H variant (also known as c.717A>C), located in coding exon 7 of the BMPR1A gene, results from an A to C substitution at nucleotide position 717. The glutamine at codon 239 is replaced by histidine, an amino acid with highly similar properties. This amino acid position is highly conserved in available vertebrate species. In addition, the in silico prediction for this alteration is inconclusive. Since supporting evidence is limited at this time, the clinical significance of this alteration remains unclear.

Labcorp Genetics (formerly Invitae), Labcorp
Classification: Uncertain significance for Juvenile polyposis syndrome. Last evaluated: 2024-05-21. Review status: criteria provided, single submitter. Criteria: Invitae Variant Classification Sherloc (09022015). Collection method: clinical testing. Allele origin: germline.
Comment: This sequence change replaces glutamine, which is neutral and polar, with histidine, which is basic and polar, at codon 239 of the BMPR1A protein (p.Gln239His). This variant is not present in population databases (gnomAD no frequency). This variant has not been reported in the literature in individuals affected with BMPR1A-related conditions. ClinVar contains an entry for this variant (Variation ID: 826887). Advanced modeling performed at Invitae incorporating data from internal and/or published experimental studies (Invitae) indicates that this missense variant is not expected to disrupt BMPR1A function with a negative predictive value of 95%. In summary, the available evidence is currently insufficient to determine the role of this variant in disease. Therefore, it has been classified as a Variant of Uncertain Significance.

All of Us Research Program, National Institutes of Health
Classification: Uncertain significance for Juvenile polyposis syndrome. Last evaluated: 2024-05-09. Review status: criteria provided, single submitter. Criteria: ACMG Guidelines, 2015. Collection method: clinical testing. Allele origin: germline. Inheritance: Autosomal dominant inheritance. Observed: 2 variant alleles, 2 heterozygotes.
Comment: This missense variant replaces glutamine with histidine at codon 239 of the BMPR1A protein. Computational prediction is inconclusive regarding the impact of this variant on protein structure and function (internally defined REVEL score threshold 0.5 < inconclusive < 0.7, PMID: 27666373). To our knowledge, functional studies have not been reported for this variant. This variant has not been reported in individuals affected with hereditary cancer in the literature. This variant has not been identified in the general population by the Genome Aggregation Database (gnomAD). The available evidence is insufficient to determine the role of this variant in disease conclusively. Therefore, this variant is classified as a Variant of Uncertain Significance.

This study involves interpretation of variants in research participants for the purpose of population health screening. Participant phenotype was not available at the time of variant classification. Additional details can be found in publication PMID: 35346344, PMCID: PMC8962531

Color Diagnostics, LLC DBA Color Health
Classification: Uncertain significance for Hereditary cancer-predisposing syndrome. Last evaluated: 2024-03-06. Review status: criteria provided, single submitter. Criteria: ACMG Guidelines, 2015. Collection method: clinical testing. Allele origin: germline.
Comment: This missense variant replaces glutamine with histidine at codon 239 of the BMPR1A protein. Computational prediction is inconclusive regarding the impact of this variant on protein structure and function. To our knowledge, functional studies have not been reported for this variant. This variant has not been reported in individuals affected with hereditary cancer in the literature. This variant has not been identified in the general population by the Genome Aggregation Database (gnomAD). The available evidence is insufficient to determine the role of this variant in disease conclusively. Therefore, this variant is classified as a Variant of Uncertain Significance.